The following is an entry in ClinVar:

ClinVar aggregate classification (germline): Likely pathogenic (1 of 4 stars; one submission).

Conditions:
Autosomal recessive polycystic kidney disease (ARPKD). Also called: AR polycystic kidney disease. Identifiers: Orphanet 731, Orphanet 8378, MedGen C0085548, MeSH D017044, MONDO:0009889.

Submission:

Natera, Inc.
Classification: Likely pathogenic for Autosomal recessive polycystic kidney disease. Last evaluated: 2024-09-12. Review status: criteria provided, single submitter. Criteria: Natera Variant Classification Schema (03/2026). Collection method: clinical testing. Allele origin: germline.
Comment: The c.4119_4123del variant in PKHD1 is a frameshift variant predicted to shift the reading frame beginning at codon 1373 and leads to a stop codon 3 codons downstream. This variant is expected to result in nonsense mediated decay, truncation, or a dysfunctional protein product. This variant is rare in the general population with a frequency below the threshold expected for the associated phenotype(s). Given the available evidence, this variant is classified as Likely Pathogenic.

NM_138694.4(PKHD1):c.4119_4123del (p.Met1373fs)

Gene: PKHD1 (PKHD1 ciliary IPT domain containing fibrocystin/polyductin; minus strand). Cytogenetic location: 6p12.2.
Variant type: Deletion.
Coding change: c.4119_4123del on transcript NM_138694.4 (MANE Select); coding-DNA positions 4119 to 4123, 5 bases deleted (GGGAT; older notation c.4119_4123delGGGAT).
Protein change: p.Met1373fs; shifts the reading frame from methionine 1373.
Molecular consequence: frameshift variant.
Genome position (GRCh38, 1-based): chr6:52,025,687-52,025,691, ATCCC deleted on the plus strand (GGGAT on the coding strand, the reverse complement: PKHD1 is on the minus strand); deleting any 5 consecutive bases within chr6:52,025,687-52,025,694 gives the same sequence; the c. name uses the placement nearest the transcript's 3' end. VCF-style (leftmost placement, unchanged base first): chr6-52025686-AATCCC-A. GRCh37 (hg19) VCF-style: chr6-51890484-AATCCC-A.
Other names: c.4119_4123del, p.Met1373fs (NM_170724.3); short protein forms M1373fs.
Identifiers: ClinVar variation 4816659 (VCV004816659.1).